The following is an entry in ClinVar:

NM_001360016.2(G6PD):c.159-3C>T

Gene: G6PD (glucose-6-phosphate dehydrogenase; minus strand). Cytogenetic location: Xq28.
Variant type: single nucleotide variant.
Coding change: c.159-3C>T on transcript NM_001360016.2 (MANE Select); 3 bases into the intron before coding-DNA position 159, C replaced by T.
Molecular consequence: intron variant.
Genome position (GRCh38, 1-based): chrX:154,536,048, G>A on the plus strand (C>T on the coding strand, the complement: G6PD is on the minus strand). VCF-style: chrX-154536048-G-A. GRCh37 (hg19) VCF-style: chrX-153764263-G-A.
Other names: c.249-3C>T (NM_000402.4); c.159-3C>T (NM_001042351.3).
Identifiers: ClinVar variation 2140868 (VCV002140868.2), dbSNP rs201838012, ClinGen allele CA337318672.

ClinVar aggregate classification (germline): Uncertain significance (1 of 4 stars; one submission).

Conditions:
Anemia, nonspherocytic hemolytic, due to G6PD deficiency (CNSHA1). Also called: Hemolytic anemia due to G6PD deficiency; Class I glucose-6-phosphate dehydrogenase deficiency; Favism, susceptibility to; ANEMIA, CONGENITAL, NONSPHEROCYTIC HEMOLYTIC, 1. Identifiers: Orphanet 466026, MedGen C2720289, MONDO:0010480, OMIM 300908.

Allele frequency attached by ClinVar (database versions not stated): gnomAD 0.00001; TOPMed 0.00002; gnomAD exomes 0.00005.
gnomAD v4.1: 67 of 1,208,620 alleles (0.0055%); highest among the groups gnomAD compares: Non-Finnish European, 0.0063%; no homozygotes.

Submissions (2):

Labcorp Genetics (formerly Invitae), Labcorp
Classification: Uncertain significance for Anemia, nonspherocytic hemolytic, due to G6PD deficiency. Last evaluated: 2022-05-11. Review status: criteria provided, single submitter. Criteria: Invitae Variant Classification Sherloc (09022015). Collection method: clinical testing. Allele origin: germline.
Comment: This sequence change falls in intron 3 of the G6PD gene. It does not directly change the encoded amino acid sequence of the G6PD protein. It affects a nucleotide within the consensus splice site. This variant is not present in population databases (gnomAD no frequency). This variant has not been reported in the literature in individuals affected with G6PD-related conditions. Variants that disrupt the consensus splice site are a relatively common cause of aberrant splicing (PMID: 17576681, 9536098). Algorithms developed to predict the effect of sequence changes on RNA splicing suggest that this variant is not likely to affect RNA splicing. In summary, the available evidence is currently insufficient to determine the role of this variant in disease. Therefore, it has been classified as a Variant of Uncertain Significance.

Dr. Peter K. Rogan Lab, Western University
No classification provided (evidence only). Condition: Colon adenocarcinoma. Review status: no classification provided. Collection method: in vitro. Allele origin: not applicable. Functional consequence: retained intron. Not counted in ClinVar's aggregate classification.

Literature cited by the submitters: PubMed 17576681 (cited by Labcorp Genetics (formerly Invitae), Labcorp); PubMed 9536098 (cited by Labcorp Genetics (formerly Invitae), Labcorp).